The following is an entry in ClinVar:

NM_003873.7(NRP1):c.423C>T (p.Phe141=)

Gene: NRP1 (neuropilin 1; minus strand). Cytogenetic location: 10p11.22.
Variant type: single nucleotide variant.
Coding change: c.423C>T on transcript NM_003873.7 (MANE Select); coding-DNA position 423, C replaced by T.
Protein change: p.Phe141=; no amino-acid change (phenylalanine 141 retained).
Molecular consequence: synonymous variant.
Genome position (GRCh38, 1-based): chr10:33,270,682, G>A on the plus strand (C>T on the coding strand, the complement: NRP1 is on the minus strand). VCF-style: chr10-33270682-G-A. GRCh37 (hg19) VCF-style: chr10-33559610-G-A.
Other names: c.423C>T, p.Phe141= (NM_001024628.3, NM_001024629.3, NM_001244972.2 and 2 more transcripts).
Identifiers: ClinVar variation 4997079 (VCV004997079.1).

ClinVar aggregate classification (germline): Likely benign (1 of 4 stars; one submission).

Conditions:
NRP1-related disorder. Also called: NRP1-related condition.

gnomAD v4.1: 1 of 1,608,936 alleles (0.000062%); highest among the groups gnomAD compares: South Asian, 0.0011%; no homozygotes.

Submission:

PreventionGenetics, part of Exact Sciences
Classification: Likely benign for NRP1-related condition. Last evaluated: 2024-10-07. Review status: criteria provided, single submitter. Criteria: ACMG Guidelines, 2015. Collection method: clinical testing. Allele origin: germline.
Comment: This variant is classified as likely benign based on ACMG/AMP sequence variant interpretation guidelines (Richards et al. 2015 PMID: 25741868, with internal and published modifications).